The following is an entry in ClinVar:

ClinVar aggregate classification (germline): Uncertain significance (1 of 4 stars; one submission).

Conditions:
Congenital myasthenic syndrome 15. Also called: Myasthenic syndrome, congenital, 15, without tubular aggregates. Identifiers: Orphanet 353327, Orphanet 590, MedGen C4015596, MONDO:0014542, OMIM 616227.

Allele frequency attached by ClinVar (database versions not stated): gnomAD exomes below 0.00001.
gnomAD v4.1: 2 of 1,614,032 alleles (0.00012%); highest among the groups gnomAD compares: Non-Finnish European, 0.00017%; no homozygotes.

Submission:

Labcorp Genetics (formerly Invitae), Labcorp
Classification: Uncertain significance for Congenital myasthenic syndrome 15. Last evaluated: 2021-09-26. Review status: criteria provided, single submitter. Criteria: Invitae Variant Classification Sherloc (09022015). Collection method: clinical testing. Allele origin: germline.
Comment: In summary, the available evidence is currently insufficient to determine the role of this variant in disease. Therefore, it has been classified as a Variant of Uncertain Significance. Algorithms developed to predict the effect of sequence changes on RNA splicing suggest that this variant may create or strengthen a splice site. Algorithms developed to predict the effect of missense changes on protein structure and function (SIFT, PolyPhen-2, Align-GVGD) all suggest that this variant is likely to be tolerated. This variant has not been reported in the literature in individuals affected with ALG14-related conditions. This variant is not present in population databases (ExAC no frequency). This sequence change replaces isoleucine with methionine at codon 22 of the ALG14 protein (p.Ile22Met). The isoleucine residue is weakly conserved and there is a small physicochemical difference between isoleucine and methionine.

NM_144988.4(ALG14):c.66A>G (p.Ile22Met)

Genes: ALG14 (ALG14 UDP-N-acetylglucosaminyltransferase subunit; minus strand), LOC129930989 (ATAC-STARR-seq lymphoblastoid active region 1353; plus strand). Cytogenetic location: 1p21.3.
Variant type: single nucleotide variant.
Coding change: c.66A>G on transcript NM_144988.4 (MANE Select); coding-DNA position 66, A replaced by G.
Protein change: p.Ile22Met; replaces isoleucine 22 with methionine.
Molecular consequence: missense variant. On other transcripts: non-coding transcript variant (1).
Genome position (GRCh38, 1-based): chr1:95,072,833, T>C on the plus strand (A>G on the coding strand, the complement: ALG14 is on the minus strand). VCF-style: chr1-95072833-T-C. GRCh37 (hg19) VCF-style: chr1-95538389-T-C.
Other names: c.66A>G, p.Ile22Met (NM_001305242.2); short protein forms I22M.
Identifiers: ClinVar variation 1413903 (VCV001413903.6), dbSNP rs1309034063, ClinGen allele CA341367222.